The following is an entry in ClinVar:

ClinVar aggregate classification (germline): Uncertain significance (1 of 4 stars; one submission).

Submission:

Labcorp Genetics (formerly Invitae), Labcorp
Classification: Uncertain significance. Last evaluated: 2024-10-27. Review status: criteria provided, single submitter. Criteria: Invitae Variant Classification Sherloc (09022015). Collection method: clinical testing. Allele origin: germline.
Comment: This sequence change creates a premature translational stop signal (p.Gln689*) in the MTOR gene. It is expected to result in an absent or disrupted protein product. However, the current clinical and genetic evidence is not sufficient to establish whether loss-of-function variants in MTOR cause disease. This variant is not present in population databases (gnomAD no frequency). This variant has not been reported in the literature in individuals affected with MTOR-related conditions. In summary, the available evidence is currently insufficient to determine the role of this variant in disease. Therefore, it has been classified as a Variant of Uncertain Significance.

NM_004958.4(MTOR):c.2065C>T (p.Gln689Ter)

Gene: MTOR (mechanistic target of rapamycin kinase; minus strand). Cytogenetic location: 1p36.22.
Variant type: single nucleotide variant.
Coding change: c.2065C>T on transcript NM_004958.4 (MANE Select); coding-DNA position 2065, C replaced by T.
Protein change: p.Gln689Ter; replaces glutamine 689 with a stop codon.
Molecular consequence: nonsense.
Genome position (GRCh38, 1-based): chr1:11,237,986, G>A on the plus strand (C>T on the coding strand, the complement: MTOR is on the minus strand). VCF-style: chr1-11237986-G-A. GRCh37 (hg19) VCF-style: chr1-11298043-G-A.
Other names: c.2065C>T, p.Gln689Ter (NM_001386500.1); c.817C>T, p.Gln273Ter (NM_001386501.1); short protein forms Q689*, Q273*.
Identifiers: ClinVar variation 3723869 (VCV003723869.2).